The following is an entry in ClinVar:

NM_002047.4(GARS1):c.2177T>C (p.Phe726Ser)

Gene: GARS1 (glycyl-tRNA synthetase 1; plus strand). Cytogenetic location: 7p14.3.
Variant type: single nucleotide variant.
Coding change: c.2177T>C on transcript NM_002047.4 (MANE Select); coding-DNA position 2177, T replaced by C.
Protein change: p.Phe726Ser; replaces phenylalanine 726 with serine.
Molecular consequence: missense variant.
Genome position (GRCh38, 1-based): chr7:30,633,817, T>C. VCF-style: chr7-30633817-T-C. GRCh37 (hg19) VCF-style: chr7-30673433-T-C.
Other names: c.2015T>C, p.Phe672Ser (NM_001316772.1); short protein forms F672S, F726S.
Identifiers: ClinVar variation 1055350 (VCV001055350.11), dbSNP rs1397264514, ClinGen allele CA367132137.
Genomic context (GRCh38, chr7:30,633,817, plus strand): 5'-TCCAAGACCTAGCCAATGGCAACATCACATGGGCTGATGTGGAGGCCAGGTATCCTCTGT[T>C]TGAAGGGCAAGAGACTGGTAAAAAAGAGACAATCGAGGAATGAGGACAATTTTGACAACT-3'
Protein context (NP_002038.2, residues 716-736): WADVEARYPL[Phe726Ser]EGQETGKKET

ClinVar aggregate classification (germline): Uncertain significance. Review status: criteria provided, multiple submitters, no conflicts (2 of 4 stars). 2 submissions from 2 submitters: Uncertain significance (2). Last evaluated 2024-12-16.

Conditions:
Charcot-Marie-Tooth disease type 2. Also called: Charcot-Marie-Tooth type 2. Identifiers: Orphanet 64746, MedGen C0270914, MONDO:0018993.

Allele frequency attached by ClinVar (database versions not stated): TOPMed below 0.00001; gnomAD exomes below 0.00001; gnomAD 0.00001.
gnomAD v4.1: 2 of 1,613,956 alleles (0.00012%); highest among the groups gnomAD compares: Non-Finnish European, 0.00017%; no homozygotes.

Submissions (2):

Labcorp Genetics (formerly Invitae), Labcorp
Classification: Uncertain significance for Charcot-Marie-Tooth disease type 2. Last evaluated: 2024-12-16. Review status: criteria provided, single submitter. Criteria: Invitae Variant Classification Sherloc (09022015). Collection method: clinical testing. Allele origin: germline.
Comment: This sequence change replaces phenylalanine, which is neutral and non-polar, with serine, which is neutral and polar, at codon 726 of the GARS protein (p.Phe726Ser). This variant is present in population databases (no rsID available, gnomAD 0.0009%). This variant has not been reported in the literature in individuals affected with GARS-related conditions. ClinVar contains an entry for this variant (Variation ID: 1055350). Invitae Evidence Modeling of protein sequence and biophysical properties (such as structural, functional, and spatial information, amino acid conservation, physicochemical variation, residue mobility, and thermodynamic stability) indicates that this missense variant is expected to disrupt GARS protein function with a positive predictive value of 80%. In summary, the available evidence is currently insufficient to determine the role of this variant in disease. Therefore, it has been classified as a Variant of Uncertain Significance.

Mayo Clinic Laboratories, Mayo Clinic
Classification: Uncertain significance. Last evaluated: 2019-06-03. Review status: criteria provided, single submitter. Criteria: ACMG Guidelines, 2015. Collection method: clinical testing. Allele origin: germline. Observed: 1 variant allele.